The following is an entry in ClinVar:

ClinVar aggregate classification (germline): Uncertain significance. Review status: criteria provided, multiple submitters, no conflicts (2 of 4 stars). 2 submissions from 2 submitters: Uncertain significance (2). Last evaluated 2025-04-12.

Conditions:
Inborn genetic diseases. Identifiers: MedGen C0950123, MeSH D030342.

Allele frequency attached by ClinVar (database versions not stated): gnomAD exomes below 0.00001; TOPMed below 0.00001.
gnomAD v4.1: 1 of 1,593,144 alleles (0.000063%); highest among the groups gnomAD compares: Non-Finnish European, 0.000086%; no homozygotes.

Submissions (2):

Ambry Genetics
Classification: Uncertain significance for Inborn genetic diseases. Last evaluated: 2025-04-12. Review status: criteria provided, single submitter. Criteria: Ambry Variant Classification Scheme 2023. Collection method: clinical testing. Allele origin: germline.

Labcorp Genetics (formerly Invitae), Labcorp
Classification: Uncertain significance. Last evaluated: 2022-08-06. Review status: criteria provided, single submitter. Criteria: Invitae Variant Classification Sherloc (09022015). Collection method: clinical testing. Allele origin: germline.
Comment: In summary, the available evidence is currently insufficient to determine the role of this variant in disease. Therefore, it has been classified as a Variant of Uncertain Significance. This sequence change replaces serine, which is neutral and polar, with proline, which is neutral and non-polar, at codon 788 of the PTPN23 protein (p.Ser788Pro). The frequency data for this variant in the population databases is considered unreliable, as metrics indicate poor data quality at this position in the gnomAD database. This variant has not been reported in the literature in individuals affected with PTPN23-related conditions. Algorithms developed to predict the effect of missense changes on protein structure and function output the following: SIFT: "Tolerated"; PolyPhen-2: "Not Available"; Align-GVGD: "Class C0". The proline amino acid residue is found in multiple mammalian species, which suggests that this missense change does not adversely affect protein function.

NM_015466.4(PTPN23):c.2362T>C (p.Ser788Pro)

Gene: PTPN23 (protein tyrosine phosphatase non-receptor type 23; plus strand). Cytogenetic location: 3p21.31.
Variant type: single nucleotide variant.
Coding change: c.2362T>C on transcript NM_015466.4 (MANE Select); coding-DNA position 2362, T replaced by C.
Protein change: p.Ser788Pro; replaces serine 788 with proline.
Molecular consequence: missense variant.
Genome position (GRCh38, 1-based): chr3:47,410,160, T>C. VCF-style: chr3-47410160-T-C. GRCh37 (hg19) VCF-style: chr3-47451650-T-C.
Other names: c.1984T>C, p.Ser662Pro (NM_001304482.2); c.2362T>C (NM_015466.2); short protein forms S662P, S788P.
Identifiers: ClinVar variation 1970268 (VCV001970268.5), dbSNP rs1215370713, ClinGen allele CA352558479.